The following is an entry in ClinVar:

ClinVar aggregate classification (germline): Likely benign. Review status: criteria provided, single submitter (1 of 4 stars). 2 submissions from 2 submitters: Likely benign (1). 1 of the submissions does not count toward it. Last evaluated 2022-08-09.

Conditions:
NDUFA11-related disorder. Also called: NDUFA11-related condition.

Allele frequency attached by ClinVar (database versions not stated): gnomAD exomes 0.00002; TOPMed 0.00003; ESP Exome Variant Server 0.00008; ExAC 0.00010.
gnomAD v4.1: 19 of 1,574,156 alleles (0.0012%); highest among the groups gnomAD compares: Middle Eastern, 0.018%; no homozygotes.

Submissions (2):

Labcorp Genetics (formerly Invitae), Labcorp
Classification: Likely benign. Last evaluated: 2022-08-09. Review status: criteria provided, single submitter. Criteria: Invitae Variant Classification Sherloc (09022015). Collection method: clinical testing. Allele origin: germline.

PreventionGenetics, part of Exact Sciences
Classification: Likely benign for NDUFA11-related condition. Last evaluated: 2019-03-01. Review status: no assertion criteria provided. Collection method: clinical testing. Allele origin: germline. Not counted in ClinVar's aggregate classification.
Comment: This variant is classified as likely benign based on ACMG/AMP sequence variant interpretation guidelines (Richards et al. 2015 PMID: 25741868, with internal and published modifications).

NM_175614.5(NDUFA11):c.276C>T (p.Leu92=)

Gene: NDUFA11 (NADH:ubiquinone oxidoreductase subunit A11; minus strand). Cytogenetic location: 19p13.3.
Variant type: single nucleotide variant.
Coding change: c.276C>T on transcript NM_175614.5 (MANE Select); coding-DNA position 276, C replaced by T.
Protein change: p.Leu92=; no amino-acid change (leucine 92 retained).
Molecular consequence: synonymous variant. On other transcripts: non-coding transcript variant (1).
Genome position (GRCh38, 1-based): chr19:5,896,490, G>A on the plus strand (C>T on the coding strand, the complement: NDUFA11 is on the minus strand). VCF-style: chr19-5896490-G-A. GRCh37 (hg19) VCF-style: chr19-5896501-G-A.
Other names: c.276C>T (NM_175614.4); c.276C>T, p.Leu92= (NM_001193375.3).
Identifiers: ClinVar variation 1565337 (VCV001565337.10), dbSNP rs371393774, ClinGen allele CA9118957.